The following is an entry in ClinVar:

ClinVar aggregate classification (germline): Uncertain significance (1 of 4 stars; one submission).

Conditions:
Severe combined immunodeficiency due to DNA-PKcs deficiency. Also called: IMMUNODEFICIENCY 26 WITH NEUROLOGIC ABNORMALITIES; Immunodeficiency 26 with or without neurologic abnormalities. Identifiers: Orphanet 317425, MedGen C4014833, MONDO:0014423, OMIM 615966.

Allele frequency attached by ClinVar (database versions not stated): gnomAD exomes 0.00001; TOPMed 0.00001; ExAC 0.00002.
gnomAD v4.1: 19 of 1,613,822 alleles (0.0012%); highest among the groups gnomAD compares: East Asian, 0.0022%; no homozygotes.

Submission:

Labcorp Genetics (formerly Invitae), Labcorp
Classification: Uncertain significance for Severe combined immunodeficiency due to DNA-PKcs deficiency. Last evaluated: 2021-12-18. Review status: criteria provided, single submitter. Criteria: Invitae Variant Classification Sherloc (09022015). Collection method: clinical testing. Allele origin: germline.
Comment: This sequence change replaces arginine, which is basic and polar, with histidine, which is basic and polar, at codon 3324 of the PRKDC protein (p.Arg3324His). This variant is present in population databases (rs777857176, gnomAD 0.006%). This variant has not been reported in the literature in individuals affected with PRKDC-related conditions. In summary, the available evidence is currently insufficient to determine the role of this variant in disease. Therefore, it has been classified as a Variant of Uncertain Significance.

NM_006904.7(PRKDC):c.9971G>A (p.Arg3324His)

Gene: PRKDC (protein kinase, DNA-activated, catalytic subunit; minus strand). Cytogenetic location: 8q11.21.
Variant type: single nucleotide variant.
Coding change: c.9971G>A on transcript NM_006904.7 (MANE Select); coding-DNA position 9971, G replaced by A.
Protein change: p.Arg3324His; replaces arginine 3324 with histidine.
Molecular consequence: missense variant.
Genome position (GRCh38, 1-based): chr8:47,800,938, C>T on the plus strand (G>A on the coding strand, the complement: PRKDC is on the minus strand). VCF-style: chr8-47800938-C-T. GRCh37 (hg19) VCF-style: chr8-48713499-C-T.
Other names: c.9971G>A, p.Arg3324His (NM_001081640.2); short protein forms R3324H.
Identifiers: ClinVar variation 2154558 (VCV002154558.1), dbSNP rs777857176, ClinGen allele CA4739426.